The following is an entry in ClinVar:

ClinVar aggregate classification (germline): Pathogenic/Likely pathogenic. Review status: criteria provided, multiple submitters, no conflicts (2 of 4 stars). 51 submissions from 43 submitters: Pathogenic (40); Likely pathogenic (1). 10 of the submissions do not count toward it. Last evaluated 2026-07-13.

Conditions:
Pontocerebellar hypoplasia type 4 (PCH4). Also called: Pontocerebellar Hypoplasia Type 4 (PCH4). Identifiers: Orphanet 166063, MedGen C1856974, MONDO:0009166, OMIM 225753.
Pontocerebellar hypoplasia type 2 (PCH2). Also called: Pontocerebellar Hypoplasia Type 2 (PCH2). Identifiers: Orphanet 2524, MedGen C2932714, MONDO:0016759.
Methylmalonic aciduria and homocystinuria type cblD (MAHCD). Also called: Methylmalonic aciduria with homocystinuria cblD type; METHYLMALONIC ACIDEMIA, cblH TYPE. Identifiers: Orphanet 622, Orphanet 79283, MedGen C1848552, MONDO:0010185, OMIM 277410.
Pontocerebellar hypoplasia type 5 (PCH5). Also called: Pontocerebellar Hypoplasia Type 5 (PCH5). Identifiers: Orphanet 166068, MedGen C1857762, MONDO:0012438, OMIM 610204.
TSEN54-related disorder. Also called: TSEN54-related condition.
Fetal anomalies with a likely genetic cause.
TSEN54 Pontocerebellar Hypoplasia. Identifiers: MedGen CN381520.
Pontocerebellar hypoplasia type 2A (PCH2A). Also called: VOLENDAM NEURODEGENERATIVE DISEASE; PONTOCEREBELLAR HYPOPLASIA WITH PROGRESSIVE CEREBRAL ATROPHY. Identifiers: Orphanet 2524, MedGen C1848526, MONDO:0010190, OMIM 277470.
Inborn genetic diseases. Identifiers: MedGen C0950123, MeSH D030342.
Pontoneocerebellar hypoplasia. Also called: Pontocerebellar hypoplasia; Non-syndromic pontocerebellar hypoplasia. Identifiers: Orphanet 98523, MedGen C1261175, MONDO:0020135.
Isolated cerebellar hypoplasia/agenesis (CHEGDD). Also called: Cerebellar hypoplasia/atrophy, epilepsy, and global developmental delay. Identifiers: Orphanet 1398, Orphanet 2246, MedGen C5231391, MONDO:0008939, OMIM 213000.
Huppke-Brendel syndrome. Also called: Congenital cataract-hearing loss-severe developmental delay syndrome; ACETYL-CoA TRANSPORTER DEFICIENCY. Identifiers: Orphanet 300313, MedGen C4751114, MONDO:0013772, OMIM 614482.
Hypertonia. Identifiers: MedGen C0026826, HP:0001276.
Amblyopia. Identifiers: MedGen C0002418, MONDO:0001020, HP:0000646.
Global developmental delay (DD). Also called: Cognitive delay. Identifiers: MedGen C0557874, HP:0001263. Disease mechanism: loss of function.
Intellectual disability. Also called: Intellectual functioning disability; intellectual disabilities; Intellectual developmental disorder. Identifiers: MedGen C3714756, MeSH D008607, MONDO:0001071, HP:0001249.
Microcephaly. Also called: Microcephaly (disease). Identifiers: MedGen C4551563, MONDO:0001149, HP:0000252.
Olivopontocerebellar hypoplasia. Identifiers: MedGen C1859341, HP:0006955.

Allele frequency attached by ClinVar (database versions not stated): 1000 Genomes Project 30x 0.00016; gnomAD exomes 0.00137 and 0.00090; gnomAD 0.00090 and 0.00092; TOPMed 0.00091; ExAC 0.00123; 1000 Genomes Project 0.00020.
gnomAD v4.1: 2,086 of 1,595,388 alleles (0.13%); highest among the groups gnomAD compares: Non-Finnish European, 0.17%; no homozygotes.

Submissions 1 to 8 of 57:

Genetics Laboratory, Great Ormond Street Hospital NHS Foundation Trust, North Thames Genomic Laboratory Hub
Classification: Likely pathogenic for Fetal anomalies with a likely genetic cause. Last evaluated: 2026-07-13. Review status: criteria provided, single submitter. Criteria: ACGS Best Practice Guidelines for Variant Classification in Rare Disease 2024 v1.2. Collection method: clinical testing. Allele origin: germline. Affected: yes.
Comment: PS4_strong, BP4_supporting, PP1_strong

CeGaT Center for Human Genetics Tuebingen
Classification: Pathogenic. Last evaluated: 2026-07-01. Review status: criteria provided, single submitter. Criteria: CeGaT Center For Human Genetics Tuebingen Variant Classification Criteria Version 2. Collection method: clinical testing. Allele origin: germline. Affected: yes. Observed: 19 variant alleles.
Comment: TSEN54: PM3:Very Strong, PP1:Strong, PM2

Institute of Medical Genetics and Applied Genomics, University Hospital Tübingen
Classification: Pathogenic for Pontocerebellar hypoplasia type 4. Last evaluated: 2026-06-11. Review status: criteria provided, single submitter. Criteria: ACMG Guidelines, 2015. Collection method: clinical testing. Allele origin: germline. Inheritance: Autosomal recessive inheritance. Affected: yes.

Dasa
Classification: Pathogenic. Last evaluated: 2026-03-23. Review status: criteria provided, single submitter. Criteria: DASA Assertion Criteria. Collection method: clinical testing. Allele origin: germline.
Comment: NM_207346.3(TSEN54):c.919G>T (p.Ala307Ser) is a missense variant that results in the substitution of alanine with serine. This variant has been recurrently observed in individuals with related phenotype (PMID: 20301773; PMID: 29410950; PMID: 27570394; PMID: 20803644). Segregation evidence has been reported in affected families. Multiple computational predictions support a deleterious effect on the gene or gene product. The variant is present at low frequency in population datasets. Based on the available data, this variant is classified as pathogenic.

PreventionGenetics, part of Exact Sciences
Classification: Pathogenic for TSEN54-related condition. Last evaluated: 2026-02-18. Review status: criteria provided, single submitter. Criteria: ACMG Guidelines, 2015. Collection method: clinical testing. Allele origin: germline.
Comment: The TSEN54 c.919G>T variant is predicted to result in the amino acid substitution p.Ala307Ser. This variant is the most common cause of autosomal recessive pontocerebellar hypoplasia type 2A (Sánchez-Albisua et al. 2014. PubMed ID: 24886362; Budde et al. 2008. PubMed ID: 18711368). This variant is reported in 0.18% of alleles in individuals of European (non-Finnish) descent in gnomAD. This variant is interpreted as pathogenic.

Labcorp Genetics (formerly Invitae), Labcorp
Classification: Pathogenic. Last evaluated: 2026-01-28. Review status: criteria provided, single submitter. Criteria: Invitae Variant Classification Sherloc (09022015). Collection method: clinical testing. Allele origin: germline.
Comment: This sequence change replaces alanine, which is neutral and non-polar, with serine, which is neutral and polar, at codon 307 of the TSEN54 protein (p.Ala307Ser). This variant is present in population databases (rs113994152, gnomAD 0.2%), and has an allele count higher than expected for a pathogenic variant. This missense change has been observed in individuals with pontocerebellar hypoplasia (PMID: 18711368, 24886362, 26701950, 27430971). It has also been observed to segregate with disease in related individuals. ClinVar contains an entry for this variant (Variation ID: 2120). Invitae Evidence Modeling of protein sequence and biophysical properties (such as structural, functional, and spatial information, amino acid conservation, physicochemical variation, residue mobility, and thermodynamic stability) has been performed for this missense variant. However, the output from this modeling did not meet the statistical confidence thresholds required to predict the impact of this variant on TSEN54 protein function. Algorithms developed to predict the effect of sequence changes on RNA splicing suggest that this variant may create or strengthen a splice site. For these reasons, this variant has been classified as Pathogenic.

Variantyx, Inc.
Classification: Pathogenic for Pontocerebellar hypoplasia type 2A. Last evaluated: 2026-01-08. Review status: criteria provided, single submitter. Criteria: Variantyx Assertion Criteria 2022. Collection method: clinical testing. Allele origin: germline. Inheritance: Autosomal recessive inheritance. Affected: no.
Comment: This is a nonsynonymous variant in the TSEN54 gene (OMIM: 608755). Pathogenic variants in this gene have been associated with autosomal recessive pontocerebellar hypoplasia type 2A. This variant has been identified in the homozygous or compound heterozygous state in many individuals reported in the published literature (PMID: 18711368, 23307886, 24886362, 26701950, 27430971, 31623504) (PM3), and it has been observed to segregate with disease in at least 8 individuals from two families (PMID: 29410950, 18711368) (PP1). This variant has a 0.1665% maximum allele frequency in non-founder control populations. Based on the current evidence, this variant is classified as pathogenic for autosomal recessive pontocerebellar hypoplasia type 2A.No other variant of clinical significance was identified in the TSEN54 gene.

First Genomix Gene Laboratory, Genetic Diagnostics Department
Classification: Pathogenic for Pontocerebellar hypoplasia type 5; Pontocerebellar hypoplasia type 4; Pontocerebellar hypoplasia type 2A. Last evaluated: 2025-12-31. Review status: criteria provided, single submitter. Criteria: ACMG Guidelines, 2015. Collection method: clinical testing. Allele origin: germline. Inheritance: Autosomal recessive inheritance. Affected: no. Observed: 1 variant allele.

NM_207346.3(TSEN54):c.919G>T (p.Ala307Ser)

Genes: LLGL2 (LLGL scribble cell polarity complex component 2; plus strand), TSEN54 (tRNA splicing endonuclease subunit 54; plus strand). Cytogenetic location: 17q25.1.
Variant type: single nucleotide variant.
Coding change: c.919G>T on transcript NM_207346.3 (MANE Select); coding-DNA position 919, G replaced by T.
Protein change: p.Ala307Ser; replaces alanine 307 with serine.
Molecular consequence: missense variant.
Genome position (GRCh38, 1-based): chr17:75,522,000, G>T. VCF-style: chr17-75522000-G-T. GRCh37 (hg19) VCF-style: chr17-73518081-G-T.
Other names: short protein forms A307S.
Identifiers: ClinVar variation 2120 (VCV000002120.117), dbSNP rs113994152, ClinGen allele CA173740.
Genomic context (GRCh38, chr17:75,522,000, plus strand): 5'-GGAGTCACGGGAGCCGGTAAGCGGCGCTGGAACTTCGAGCAGATCTCCTTCCCCAACATG[G>T]CTTCAGACAGCCGCCACACCCTTCTGCGCGCCCCAGCCCCAGAGCTGCTCCCGGCCAACG-3'
Protein context (NP_997229.2, residues 297-317): NFEQISFPNM[Ala307Ser]SDSRHTLLRA